The following is an entry in ClinVar:

NM_007294.4(BRCA1):c.3299G>C (p.Gly1100Ala)

Genes: BRCA1 (BRCA1 DNA repair associated; minus strand), LOC126862571 (BRD4-independent group 4 enhancer GRCh37_chr17:41243136-41244335; plus strand). Cytogenetic location: 17q21.31.
Variant type: single nucleotide variant.
Coding change: c.3299G>C on transcript NM_007294.4 (MANE Select); coding-DNA position 3299, G replaced by C.
Protein change: p.Gly1100Ala; replaces glycine 1100 with alanine.
Molecular consequence: missense variant. On other transcripts: intron variant (137).
Genome position (GRCh38, 1-based): chr17:43,092,232, C>G on the plus strand (G>C on the coding strand, the complement: BRCA1 is on the minus strand). VCF-style: chr17-43092232-C-G. GRCh37 (hg19) VCF-style: chr17-41244249-C-G.
Other names: c.2795G>C, p.Gly932Ala (NM_001407965.1); c.2411G>C, p.Gly804Ala (NM_001407966.1, NM_001407967.1); c.3158G>C, p.Gly1053Ala (NM_007297.4, NM_001407692.1, NM_001407694.1 and 29 more transcripts); c.3299G>C, p.Gly1100Ala (NM_007300.4, NM_001407581.1, NM_001407582.1 and 30 more transcripts); c.647-1200G>C (NM_001408458.1, NM_001408469.1, NM_001408467.1 and 11 more transcripts); c.284-1200G>C (NM_001408512.1); c.407-1200G>C (NM_001408510.1); c.644-1200G>C (NM_001408470.1, NM_001408464.1, NM_001408468.1 and 3 more transcripts); and 41 more; short protein forms G1033A, G1052A, G1058A, G804A, G932A, G972A, G1029A, G1073A.
Identifiers: ClinVar variation 2098067 (VCV002098067.6), dbSNP rs2154330690, ClinGen allele CA10595390.

ClinVar aggregate classification (germline): Conflicting classifications of pathogenicity. Review status: criteria provided, conflicting classifications (1 of 4 stars). 2 submissions from 2 submitters: Uncertain significance (1); Likely benign (1). Last evaluated 2023-03-23.

Conditions:
Hereditary cancer-predisposing syndrome. Also called: Hereditary neoplastic syndrome; Neoplastic Syndromes, Hereditary; Tumor predisposition; Hereditary Cancer Syndrome. Identifiers: Orphanet 140162, MedGen C0027672, MeSH D009386, MONDO:0015356.
Hereditary breast ovarian cancer syndrome. Also called: Hereditary breast and/or ovarian cancer syndrome; Hereditary breast and ovarian cancer syndrome; Hereditary breast and ovarian cancer; Hereditary breast and ovarian cancer syndrome (HBOC); Breast and ovarian cancer; BRCA1- and BRCA2-Associated Hereditary Breast and Ovarian Cancer. Identifiers: Orphanet 145, MedGen C0677776, MeSH D061325, MONDO:0003582. Disease mechanism: loss of function.

Submissions (2):

University of Washington Department of Laboratory Medicine, University of Washington
Classification: Likely benign for Hereditary cancer-predisposing syndrome. Last evaluated: 2023-03-23. Review status: criteria provided, single submitter. Criteria: Dines et al. (Genet Med. 2020). Collection method: curation. Allele origin: germline.
Comment: Missense variant in a coldspot region where missense variants are very unlikely to be pathogenic (PMID:31911673).

BRCA1 coldspot (exon 11 using historical exon numbering). Reclassification based on statistical prior probability

Labcorp Genetics (formerly Invitae), Labcorp
Classification: Uncertain significance for Hereditary breast ovarian cancer syndrome. Last evaluated: 2022-02-17. Review status: criteria provided, single submitter. Criteria: Invitae Variant Classification Sherloc (09022015). Collection method: clinical testing. Allele origin: germline.
Comment: This sequence change replaces glycine, which is neutral and non-polar, with alanine, which is neutral and non-polar, at codon 1100 of the BRCA1 protein (p.Gly1100Ala). This variant is not present in population databases (gnomAD no frequency). This variant has not been reported in the literature in individuals affected with BRCA1-related conditions. Advanced modeling of protein sequence and biophysical properties (such as structural, functional, and spatial information, amino acid conservation, physicochemical variation, residue mobility, and thermodynamic stability) performed at Invitae indicates that this missense variant is not expected to disrupt BRCA1 protein function. In summary, the available evidence is currently insufficient to determine the role of this variant in disease. Therefore, it has been classified as a Variant of Uncertain Significance.